The following is an entry in ClinVar:

ClinVar aggregate classification (germline): Likely benign (1 of 4 stars; one submission).

Conditions:
Congenital lactase deficiency. Also called: ALACTASIA, CONGENITAL; DISACCHARIDE INTOLERANCE II. Identifiers: Orphanet 53690, MedGen C0268179, MONDO:0009115, OMIM 223000.

Allele frequency attached by ClinVar (database versions not stated): gnomAD exomes 0.00095; 1000 Genomes Project 0.00100; gnomAD 0.00104 and 0.00111; 1000 Genomes Project 30x 0.00109; TOPMed 0.00133.

Submission:

Illumina Laboratory Services, Illumina
Classification: Likely benign for Congenital lactase deficiency. Last evaluated: 2018-01-13. Review status: criteria provided, single submitter. Criteria: ICSL Variant Classification Criteria 13 December 2019. Collection method: clinical testing. Allele origin: germline.
Comment: This variant was observed in the ICSL laboratory as part of a predisposition screen in an ostensibly healthy population. It had not been previously curated by ICSL or reported in the Human Gene Mutation Database (HGMD: prior to June 1st, 2018), and was therefore a candidate for classification through an automated scoring system. Utilizing variant allele frequency, disease prevalence and penetrance estimates, and inheritance mode, an automated score was calculated to assess if this variant is too frequent to cause the disease. Based on the score and internal cut-off values, a variant classified as likely benign is not then subjected to further curation. The score for this variant resulted in a classification of likely benign for this disease.

NM_002299.4(LCT):c.*235C>T

Gene: LCT (lactase; minus strand). Cytogenetic location: 2q21.3.
Variant type: single nucleotide variant.
Coding change: c.*235C>T on transcript NM_002299.4 (MANE Select); 235 bases downstream of the stop codon, C replaced by T.
Molecular consequence: 3 prime UTR variant.
Genome position (GRCh38, 1-based): chr2:135,788,089, G>A on the plus strand (C>T on the coding strand, the complement: LCT is on the minus strand). VCF-style: chr2-135788089-G-A. GRCh37 (hg19) VCF-style: chr2-136545659-G-A.
Identifiers: ClinVar variation 894024 (VCV000894024.4), dbSNP rs116002539, ClinGen allele CA56593593.